The following is an entry in ClinVar:

NM_206933.4(USH2A):c.10182+6T>G

Gene: USH2A (usherin; minus strand). Cytogenetic location: 1q41.
Variant type: single nucleotide variant.
Coding change: c.10182+6T>G on transcript NM_206933.4 (MANE Select); 6 bases into the intron after coding-DNA position 10182, T replaced by G.
Molecular consequence: intron variant.
Genome position (GRCh38, 1-based): chr1:215,790,053, A>C on the plus strand (T>G on the coding strand, the complement: USH2A is on the minus strand). VCF-style: chr1-215790053-A-C. GRCh37 (hg19) VCF-style: chr1-215963395-A-C.
Identifiers: ClinVar variation 1994596 (VCV001994596.4), dbSNP rs2464419081, ClinGen allele CA2580062085.
Genomic context (GRCh38, chr1:215,790,053, plus strand): 5'-TTATGAACAATGTATTTCTCTTTCCATTGTCAAATCAGCGCCTCCGAGAGCTTTTCTATC[A>C]ATTACCTTCATCATCATTCCAGTTGAAATCTTGTCAGAGCAAACATATTTCAAAGGATTA-3'

ClinVar aggregate classification (germline): Uncertain significance (1 of 4 stars; one submission).

Submission:

Labcorp Genetics (formerly Invitae), Labcorp
Classification: Uncertain significance. Last evaluated: 2022-05-15. Review status: criteria provided, single submitter. Criteria: Invitae Variant Classification Sherloc (09022015). Collection method: clinical testing. Allele origin: germline.
Comment: In summary, the available evidence is currently insufficient to determine the role of this variant in disease. Therefore, it has been classified as a Variant of Uncertain Significance. Variants that disrupt the consensus splice site are a relatively common cause of aberrant splicing (PMID: 17576681, 9536098). Algorithms developed to predict the effect of sequence changes on RNA splicing suggest that this variant is not likely to affect RNA splicing. This variant has not been reported in the literature in individuals affected with USH2A-related conditions. This variant is not present in population databases (gnomAD no frequency). This sequence change falls in intron 51 of the USH2A gene. It does not directly change the encoded amino acid sequence of the USH2A protein. It affects a nucleotide within the consensus splice site.

Literature cited by the submitters: PubMed 17576681; PubMed 9536098.